The following is an entry in ClinVar:

NM_001166114.2(PNPLA6):c.2401+6T>C

Gene: PNPLA6 (patatin like domain 6, lysophospholipase; plus strand). Cytogenetic location: 19p13.2.
Variant type: single nucleotide variant.
Coding change: c.2401+6T>C on transcript NM_001166114.2 (MANE Select); 6 bases into the intron after coding-DNA position 2401, T replaced by C.
Molecular consequence: intron variant.
Genome position (GRCh38, 1-based): chr19:7,554,021, T>C. VCF-style: chr19-7554021-T-C. GRCh37 (hg19) VCF-style: chr19-7618907-T-C.
Other names: c.2287+6T>C (NM_006702.5, NM_001166113.1); c.2206+6T>C (NM_001166112.2); c.2431+6T>C (NM_001166111.2).
Identifiers: ClinVar variation 1014368 (VCV001014368.8), dbSNP rs368277076, ClinGen allele CA9140074.

ClinVar aggregate classification (germline): Uncertain significance (1 of 4 stars; one submission).

Conditions:
Hereditary spastic paraplegia 39 (SPG39). Also called: SPASTIC PARAPLEGIA 39, AUTOSOMAL RECESSIVE; Spastic Paraplegia Type 39 (SPG39). Identifiers: Orphanet 139480, MedGen C2677586, MONDO:0012787, OMIM 612020.

Allele frequency attached by ClinVar (database versions not stated): gnomAD 0.00001; gnomAD exomes 0.00001; TOPMed 0.00001; ExAC 0.00002; ESP Exome Variant Server 0.00008.
gnomAD v4.1: 1 of 1,250,744 alleles (0.00008%); highest among the groups gnomAD compares: African/African-American, 0.002%; no homozygotes.

Submission:

Labcorp Genetics (formerly Invitae), Labcorp
Classification: Uncertain significance for Hereditary spastic paraplegia 39. Last evaluated: 2020-01-03. Review status: criteria provided, single submitter. Criteria: Invitae Variant Classification Sherloc (09022015). Collection method: clinical testing. Allele origin: germline.
Comment: This sequence change falls in intron 22 of the PNPLA6 gene. It does not directly change the encoded amino acid sequence of the PNPLA6 protein, but it affects a nucleotide within the consensus splice site of the intron. This variant is present in population databases (rs368277076, ExAC 0.02%). This variant has not been reported in the literature in individuals with PNPLA6-related conditions. Nucleotide substitutions within the consensus splice site are a relatively common cause of aberrant splicing (PMID: 17576681, 9536098). Algorithms developed to predict the effect of sequence changes on RNA splicing suggest that this variant may disrupt the consensus splice site, but this prediction has not been confirmed by published transcriptional studies. In summary, the available evidence is currently insufficient to determine the role of this variant in disease. Therefore, it has been classified as a Variant of Uncertain Significance.

Literature cited by the submitters: PubMed 17576681; PubMed 9536098.